The following is an entry in ClinVar:

NC_000001.10:g.(?_236849954)_(236925939_?)dup

Gene: ACTN2 (actinin alpha 2; plus strand). Cytogenetic location: 1q43.
Variant type: Duplication.
Identifiers: ClinVar variation 1442868 (VCV001442868.1).

ClinVar aggregate classification (germline): Uncertain significance (1 of 4 stars; one submission).

Conditions:
Primary familial hypertrophic cardiomyopathy (HCM). Identifiers: Orphanet 99739, MedGen C0949658, MeSH D024741, MONDO:0024573. Inheritance: Various modes of inheritance.
Dilated cardiomyopathy 1AA (CMD1AA). Also called: Cardiomyopathy, dilated, 1AA, with or without LVNC; CARDIOMYOPATHY, FAMILIAL HYPERTROPHIC, 23, WITH OR WITHOUT LEFT VENTRICULAR NONCOMPACTION; CARDIOMYOPATHY, DILATED, 1AA, WITH OR WITHOUT LEFT VENTRICULAR NONCOMPACTION. Identifiers: Orphanet 154, MedGen C2677338, MONDO:0012808, OMIM 612158.

Submission:

Labcorp Genetics (formerly Invitae), Labcorp
Classification: Uncertain significance for Primary familial hypertrophic cardiomyopathy; Dilated cardiomyopathy 1AA. Last evaluated: 2021-11-26. Review status: criteria provided, single submitter. Criteria: Invitae Variant Classification Sherloc (09022015). Collection method: clinical testing. Allele origin: germline.
Comment: A copy number gain of the genomic region encompassing the full coding sequence of the ACTN2 gene has been identified. The boundaries of this event are unknown as they extend beyond the assayed region for this gene and therefore may encompass additional genes. As the precise location of this event is unknown, it may be in tandem or it may be located elsewhere in the genome. A similar copy number variant has been observed in individual(s) with hypertrophic cardiomyopathy (Invitae). Experimental studies and prediction algorithms are not available or were not evaluated, and the functional significance of this variant is currently unknown. In summary, the available evidence is currently insufficient to determine the role of this variant in disease. Therefore, it has been classified as a Variant of Uncertain Significance.